The following is an entry in ClinVar:

ClinVar aggregate classification (germline): Likely pathogenic (1 of 4 stars; one submission).

Conditions:
CFTR-related disorder (CFTR-RD). Also called: CFTR-related disorders; CFTR-related condition. Identifiers: MedGen C5924204, MONDO:7770004.

Submission:

Natera, Inc.
Classification: Likely pathogenic for CFTR-related disorders. Last evaluated: 2024-09-30. Review status: criteria provided, single submitter. Criteria: Natera Variant Classification Schema (03/2026). Collection method: clinical testing. Allele origin: germline.
Comment: The c.742delA variant in CFTR is a frameshift variant predicted to shift the reading frame beginning at codon 248 and leads to a stop codon 13 codons downstream. This variant is expected to result in nonsense mediated decay, truncation, or a dysfunctional protein product. This variant is rare in the general population with a frequency below the threshold expected for the associated phenotype(s). Given the available evidence, this variant is classified as Likely Pathogenic.

NM_000492.4(CFTR):c.742del (p.Arg248fs)

Gene: CFTR (CF transmembrane conductance regulator; plus strand). Cytogenetic location: 7q31.2.
Variant type: Deletion.
Coding change: c.742del on transcript NM_000492.4 (MANE Select); coding-DNA position 742, one base deleted (A; older notation c.742delA).
Protein change: p.Arg248fs; shifts the reading frame from arginine 248.
Molecular consequence: frameshift variant.
Genome position (GRCh38, 1-based): chr7:117,535,410, A deleted. VCF-style (leftmost placement, unchanged base first): chr7-117535409-CA-C. GRCh37 (hg19) VCF-style: chr7-117175463-CA-C.
Other names: short protein forms R248fs.
Identifiers: ClinVar variation 4818575 (VCV004818575.1).
Genomic context (GRCh38, chr7:117,535,409, plus strand): 5'-TGGTTTCCTGATAGTCCTTGCCCTTTTTCAGGCTGGGCTAGGGAGAATGATGATGAAGTA[CA>C]GGTAGCAACCTATTTTCATAACTTGAAAGTTTTAAAAATTATGTTTTCAAAAAGCCCACT-3'